The following is an entry in ClinVar:

NM_144997.7(FLCN):c.1263C>A (p.Ser421Arg)

Gene: FLCN (folliculin; minus strand). Cytogenetic location: 17p11.2.
Variant type: single nucleotide variant.
Coding change: c.1263C>A on transcript NM_144997.7 (MANE Select); coding-DNA position 1263, C replaced by A.
Protein change: p.Ser421Arg; replaces serine 421 with arginine.
Molecular consequence: missense variant.
Genome position (GRCh38, 1-based): chr17:17,216,417, G>T on the plus strand (C>A on the coding strand, the complement: FLCN is on the minus strand). VCF-style: chr17-17216417-G-T. GRCh37 (hg19) VCF-style: chr17-17119731-G-T.
Other names: c.1317C>A, p.Ser439Arg (NM_001353229.2); c.1263C>A, p.Ser421Arg (NM_001353230.2, NM_001353231.2); short protein forms S421R, S439R.
Identifiers: ClinVar variation 5021878 (VCV005021878.1).

ClinVar aggregate classification (germline): Uncertain significance (1 of 4 stars; one submission).

Conditions:
Hereditary cancer-predisposing syndrome. Also called: Neoplastic Syndromes, Hereditary; Tumor predisposition; Hereditary neoplastic syndrome; Hereditary Cancer Syndrome. Identifiers: Orphanet 140162, MedGen C0027672, MeSH D009386, MONDO:0015356.

Submission:

Ambry Genetics
Classification: Uncertain significance for Hereditary cancer-predisposing syndrome. Last evaluated: 2026-08-31. Review status: criteria provided, single submitter. Criteria: Ambry Variant Classification Scheme 2023. Collection method: clinical testing. Allele origin: germline.
Comment: The p.S421R variant (also known as c.1263C>A), located in coding exon 8 of the FLCN gene, results from a C to A substitution at nucleotide position 1263. The serine at codon 421 is replaced by arginine, an amino acid with dissimilar properties. This amino acid position is conserved. In addition, this alteration is predicted to be deleterious by in silico analysis. Based on the available evidence, the clinical significance of this variant remains unclear.